The following is an entry in ClinVar:

ClinVar aggregate classification (germline): Benign/Likely benign. Review status: criteria provided, multiple submitters, no conflicts (2 of 4 stars). 4 submissions from 4 submitters: Benign (1); Likely benign (3). Last evaluated 2025-07-02.

Conditions:
Tuberous sclerosis syndrome (TSC). Also called: Tuberous sclerosis; Tuberous Sclerosis Complex. Identifiers: Orphanet 805, MedGen C0041341, MONDO:0001734.
Tuberous sclerosis 2 (TSC2). Identifiers: Orphanet 805, MedGen C1860707, MONDO:0013199, OMIM 613254.
Hereditary cancer-predisposing syndrome. Also called: Tumor predisposition; Hereditary Cancer Syndrome; Neoplastic Syndromes, Hereditary; Hereditary neoplastic syndrome. Identifiers: Orphanet 140162, MedGen C0027672, MeSH D009386, MONDO:0015356.

Submissions (4):

Labcorp Genetics (formerly Invitae), Labcorp
Classification: Likely benign for Tuberous sclerosis 2. Last evaluated: 2025-07-02. Review status: criteria provided, single submitter. Criteria: Invitae Variant Classification Sherloc (09022015). Collection method: clinical testing. Allele origin: germline.

Myriad Genetics, Inc.
Classification: Benign for Tuberous sclerosis 2. Last evaluated: 2025-05-29. Review status: criteria provided, single submitter. Criteria: Myriad Autosomal Dominant, Autosomal Recessive and X-Linked Classification Criteria (2023). Collection method: clinical testing. Allele origin: unknown.
Comment: This variant is considered benign. This variant is a silent/synonymous amino acid change and it is not expected to impact splicing.

Ambry Genetics
Classification: Likely benign for Hereditary cancer-predisposing syndrome. Last evaluated: 2024-11-14. Review status: criteria provided, single submitter. Criteria: Ambry Variant Classification Scheme 2023. Collection method: clinical testing. Allele origin: germline.

All of Us Research Program, National Institutes of Health
Classification: Likely benign for Tuberous sclerosis syndrome. Last evaluated: 2024-02-05. Review status: criteria provided, single submitter. Criteria: ACMG Guidelines, 2015. Collection method: clinical testing. Allele origin: germline. Inheritance: Autosomal dominant inheritance. Observed: 1 variant allele, 1 heterozygote.
Comment: This study involves interpretation of variants in research participants for the purpose of population health screening. Participant phenotype was not available at the time of variant classification. Additional details can be found in publication PMID: 35346344, PMCID: PMC8962531

NM_000548.5(TSC2):c.3459C>T (p.Ala1153=)

Gene: TSC2 (TSC complex subunit 2; plus strand). Cytogenetic location: 16p13.3.
Variant type: single nucleotide variant.
Coding change: c.3459C>T on transcript NM_000548.5 (MANE Select); coding-DNA position 3459, C replaced by T.
Protein change: p.Ala1153=; no amino-acid change (alanine 1153 retained).
Molecular consequence: synonymous variant. On other transcripts: non-coding transcript variant (5).
Genome position (GRCh38, 1-based): chr16:2,080,226, C>T. VCF-style: chr16-2080226-C-T. GRCh37 (hg19) VCF-style: chr16-2130227-C-T.
Other names: c.3327C>T, p.Ala1109= (NM_001077183.3, NM_001370404.1, NM_001406665.1); c.3459C>T, p.Ala1153= (NM_001114382.3); c.3219C>T, p.Ala1073= (NM_001318827.2); c.3183C>T, p.Ala1061= (NM_001318829.2); c.2727C>T, p.Ala909= (NM_001318831.2, NM_001406687.1, NM_001406688.1); c.3360C>T, p.Ala1120= (NM_001318832.2); c.3330C>T, p.Ala1110= (NM_001363528.2, NM_001370405.1, NM_021055.3); c.3456C>T, p.Ala1152= (NM_001406663.1, NM_001406664.1); and 18 more.
Identifiers: ClinVar variation 2955087 (VCV002955087.6), dbSNP rs1596389837, ClinGen allele CA493042859.